The following is an entry in ClinVar:

ClinVar aggregate classification (germline): Uncertain significance (1 of 4 stars; one submission).

Conditions:
Inborn genetic diseases. Identifiers: MedGen C0950123, MeSH D030342.

gnomAD v4.1: 2 of 1,614,206 alleles (0.00012%); highest among the groups gnomAD compares: Non-Finnish European, 0.00017%; no homozygotes.

Submission:

Ambry Genetics
Classification: Uncertain significance for Inborn genetic diseases. Last evaluated: 2025-01-23. Review status: criteria provided, single submitter. Criteria: Ambry Variant Classification Scheme 2023. Collection method: clinical testing. Allele origin: germline.
Comment: The p.Q56K variant (also known as c.166C>A), located in coding exon 2 of the BUB1B gene, results from a C to A substitution at nucleotide position 166. The glutamine at codon 56 is replaced by lysine, an amino acid with similar properties. This amino acid position is conserved. In addition, this alteration is predicted to be tolerated by in silico analysis. Based on the available evidence, the clinical significance of this variant remains unclear.

NM_001211.6(BUB1B):c.166C>A (p.Gln56Lys)

Gene: BUB1B (BUB1 mitotic checkpoint serine/threonine kinase B; plus strand). Cytogenetic location: 15q15.1.
Variant type: single nucleotide variant.
Coding change: c.166C>A on transcript NM_001211.6 (MANE Select); coding-DNA position 166, C replaced by A.
Protein change: p.Gln56Lys; replaces glutamine 56 with lysine.
Molecular consequence: missense variant.
Genome position (GRCh38, 1-based): chr15:40,165,183, C>A. VCF-style: chr15-40165183-C-A. GRCh37 (hg19) VCF-style: chr15-40457384-C-A.
Other names: short protein forms Q56K.
Identifiers: ClinVar variation 3826106 (VCV003826106.1).
Genomic context (GRCh38, chr15:40,165,183, plus strand): 5'-CGGATCATGTCCACGCTTCAGGGAGCACTGGCACAAGAATCTGCCTGTAACAATACTCTT[C>A]AGCAGCAGAAACGGTGTGTAGAATGGCTGAGTCTCAACCTGTCGTCATTCATCCTAAATG-3'
Protein context (NP_001202.5, residues 46-66): AQESACNNTL[Gln56Lys]QQKRAFEYEI